The following is an entry in ClinVar:

NM_001329943.3(KIAA0586):c.341-2A>G

Gene: KIAA0586 (KIAA0586; plus strand). Cytogenetic location: 14q23.1.
Variant type: single nucleotide variant.
Coding change: c.341-2A>G on transcript NM_001329943.3 (MANE Select); the canonical splice acceptor site of the intron before coding-DNA position 341, A replaced by G.
Molecular consequence: splice acceptor variant.
Genome position (GRCh38, 1-based): chr14:58,432,386, A>G. VCF-style: chr14-58432386-A-G. GRCh37 (hg19) VCF-style: chr14-58899104-A-G.
Other names: c.377-2A>G (NM_001244189.2); c.296-2A>G (NM_001244190.2); c.86-2A>G (NM_001244192.2, NM_001244191.2, NM_001364701.2 and 2 more transcripts); c.341-2A>G (NM_001329944.2, NM_001329946.2, NM_001329947.2 and 1 more transcripts).
Identifiers: ClinVar variation 1955189 (VCV001955189.5), dbSNP rs939669886, ClinGen allele CA261634293.
Genomic context (GRCh38, chr14:58,432,386, plus strand): 5'-CTTATTAAAGTTTAATAAATATTCAGGAATTTAATATATATTTTTGTGTCTTGATTTTGC[A>G]GCAAATGACATCTTCATTTCTCAGTATACAATGGGACAGAAAGATGCTCTAAGAACAGTT-3'

ClinVar aggregate classification (germline): Likely pathogenic (1 of 4 stars; one submission).

Conditions:
Joubert syndrome 23 (JBTS23). Identifiers: Orphanet 475, MedGen C4084822, MONDO:0014664, OMIM 616490.
Short-rib thoracic dysplasia 14 with polydactyly (SRTD14). Identifiers: Orphanet 397715, MedGen C4225286, MONDO:0014688, OMIM 616546.

Allele frequency attached by ClinVar (database versions not stated): gnomAD 0.00001; gnomAD exomes 0.00001.
gnomAD v4.1: 13 of 1,524,444 alleles (0.00085%); highest among the groups gnomAD compares: Non-Finnish European, 0.0012%; no homozygotes.

Submission:

Labcorp Genetics (formerly Invitae), Labcorp
Classification: Likely pathogenic for Joubert syndrome 23; Short-rib thoracic dysplasia 14 with polydactyly. Last evaluated: 2024-03-13. Review status: criteria provided, single submitter. Criteria: Invitae Variant Classification Sherloc (09022015). Collection method: clinical testing. Allele origin: germline.
Comment: This sequence change affects an acceptor splice site in intron 4 of the KIAA0586 gene. It is expected to disrupt RNA splicing. Variants that disrupt the donor or acceptor splice site typically lead to a loss of protein function (PMID: 16199547), and loss-of-function variants in KIAA0586 are known to be pathogenic (PMID: 26096313, 26166481, 26386044). This variant is not present in population databases (gnomAD no frequency). This variant has not been reported in the literature in individuals affected with KIAA0586-related conditions. ClinVar contains an entry for this variant (Variation ID: 1955189). Algorithms developed to predict the effect of sequence changes on RNA splicing suggest that this variant may disrupt the consensus splice site. In summary, the currently available evidence indicates that the variant is pathogenic, but additional data are needed to prove that conclusively. Therefore, this variant has been classified as Likely Pathogenic.

Literature cited by the submitters: PubMed 16199547; PubMed 26096313; PubMed 26166481; PubMed 26386044.